The following is an entry in ClinVar:

ClinVar aggregate classification (germline): Uncertain significance (1 of 4 stars; one submission).

Conditions:
Hereditary cancer-predisposing syndrome. Also called: Hereditary neoplastic syndrome; Neoplastic Syndromes, Hereditary; Tumor predisposition; Hereditary Cancer Syndrome. Identifiers: Orphanet 140162, MedGen C0027672, MeSH D009386, MONDO:0015356.

Submission:

Ambry Genetics
Classification: Uncertain significance for Hereditary cancer-predisposing syndrome. Last evaluated: 2024-12-29. Review status: criteria provided, single submitter. Criteria: Ambry Variant Classification Scheme 2023. Collection method: clinical testing. Allele origin: germline.
Comment: The p.S3149N variant (also known as c.9446G>A), located in coding exon 24 of the BRCA2 gene, results from a G to A substitution at nucleotide position 9446. The serine at codon 3149 is replaced by asparagine, an amino acid with highly similar properties. This amino acid position is conserved. In addition, this alteration is predicted to be tolerated by in silico analysis. Based on the available evidence, the clinical significance of this variant remains unclear.

NM_000059.4(BRCA2):c.9446G>A (p.Ser3149Asn)

Gene: BRCA2 (BRCA2 DNA repair associated; plus strand). Cytogenetic location: 13q13.1.
Variant type: single nucleotide variant.
Coding change: c.9446G>A on transcript NM_000059.4 (MANE Select); coding-DNA position 9446, G replaced by A.
Protein change: p.Ser3149Asn; replaces serine 3149 with asparagine.
Molecular consequence: missense variant. On other transcripts: non-coding transcript variant (1).
Genome position (GRCh38, 1-based): chr13:32,394,878, G>A. VCF-style: chr13-32394878-G-A. GRCh37 (hg19) VCF-style: chr13-32969015-G-A.
Other names: c.9350G>A, p.Ser3117Asn (NM_001406719.1); c.9395G>A, p.Ser3132Asn (NM_001406720.1); c.4514G>A, p.Ser1505Asn (NM_001406721.1); c.3029G>A, p.Ser1010Asn (NM_001406722.1); c.9446G>A, p.Ser3149Asn (NM_001432077.1); short protein forms S1010N, S3132N, S3149N, S3117N, S1505N.
Identifiers: ClinVar variation 3825410 (VCV003825410.1).
Genomic context (GRCh38, chr13:32,394,878, plus strand): 5'-CAGAATCCAAATCAGGCCTTCTTACTTTATTTGCTGGAGATTTTTCTGTGTTTTCTGCTA[G>A]TCCAAAAGAGGGCCACTTTCAAGAGACATTCAACAAAATGAAAAATACTGTTGAGGTAAG-3'
Protein context (NP_000050.3, residues 3139-3159): FAGDFSVFSA[Ser3149Asn]PKEGHFQETF